The following is an entry in ClinVar:

NM_006329.4(FBLN5):c.1223G>A (p.Arg408His)

Gene: FBLN5 (fibulin 5; minus strand). Cytogenetic location: 14q32.12.
Variant type: single nucleotide variant.
Coding change: c.1223G>A on transcript NM_006329.4 (MANE Select); coding-DNA position 1223, G replaced by A.
Protein change: p.Arg408His; replaces arginine 408 with histidine.
Molecular consequence: missense variant. On other transcripts: 3 prime UTR variant (2).
Genome position (GRCh38, 1-based): chr14:91,870,348, C>T on the plus strand (G>A on the coding strand, the complement: FBLN5 is on the minus strand). VCF-style: chr14-91870348-C-T. GRCh37 (hg19) VCF-style: chr14-92336692-C-T.
Other names: c.1346G>A, p.Arg449His (NM_001384158.1); c.1274G>A, p.Arg425His (NM_001384159.1); c.*7G>A (NM_001384160.1, NM_001384161.1); c.1055G>A, p.Arg352His (NM_001384162.1); c.1223G>A (NM_006329.3); short protein forms R352H, R408H, R425H, R449H.
Identifiers: ClinVar variation 1483094 (VCV001483094.13), dbSNP rs1195657748, ClinGen allele CA390639420.

ClinVar aggregate classification (germline): Uncertain significance. Review status: criteria provided, multiple submitters, no conflicts (2 of 4 stars). 3 submissions from 3 submitters: Uncertain significance (3). Last evaluated 2026-04-27.

Conditions:
FBLN5-related disorder. Also called: FBLN5-related condition.

Allele frequency attached by ClinVar (database versions not stated): gnomAD exomes 0.00001; TOPMed 0.00001.

Submissions (3):

PreventionGenetics, part of Exact Sciences
Classification: Uncertain significance for FBLN5-related condition. Last evaluated: 2026-04-27. Review status: criteria provided, single submitter. Criteria: ACMG Guidelines, 2015. Collection method: clinical testing. Allele origin: germline.
Comment: The FBLN5 c.1223G>A variant is predicted to result in the amino acid substitution p.Arg408His. To our knowledge, this variant has not been reported in the literature. This variant is reported in 0.0065% of alleles in individuals of South Asian descent in gnomAD. Another variant affecting the same amino acid position, c.1222C>T, p.(Arg408Cys), has been reported de novo in an individual with neurodevelopmental disorders (referred to as 14:92336693 G>A in Supplementary Data 3, Zhou et al. 2022. PubMed ID: 35982159); however, this individual also had de novo variants in other genes. At this time, the clinical significance of this variant is uncertain due to the absence of conclusive functional and genetic evidence.

Labcorp Genetics (formerly Invitae), Labcorp
Classification: Uncertain significance. Last evaluated: 2025-12-09. Review status: criteria provided, single submitter. Criteria: Invitae Variant Classification Sherloc (09022015). Collection method: clinical testing. Allele origin: germline.
Comment: This sequence change replaces arginine, which is basic and polar, with histidine, which is basic and polar, at codon 408 of the FBLN5 protein (p.Arg408His). This variant is present in population databases (no rsID available, gnomAD 0.006%). This variant has not been reported in the literature in individuals affected with FBLN5-related conditions. ClinVar contains an entry for this variant (Variation ID: 1483094). Invitae Evidence Modeling of protein sequence and biophysical properties (such as structural, functional, and spatial information, amino acid conservation, physicochemical variation, residue mobility, and thermodynamic stability) indicates that this missense variant is not expected to disrupt FBLN5 protein function with a negative predictive value of 80%. In summary, the available evidence is currently insufficient to determine the role of this variant in disease. Therefore, it has been classified as a Variant of Uncertain Significance.

CeGaT Center for Human Genetics Tuebingen
Classification: Uncertain significance. Last evaluated: 2025-10-01. Review status: criteria provided, single submitter. Criteria: CeGaT Center For Human Genetics Tuebingen Variant Classification Criteria Version 2. Collection method: clinical testing. Allele origin: germline. Affected: yes. Observed: 1 variant allele.